The following is an entry in ClinVar:

ClinVar aggregate classification (germline): Uncertain significance. Review status: criteria provided, multiple submitters, no conflicts (2 of 4 stars). 2 submissions from 2 submitters: Uncertain significance (2). Last evaluated 2025-10-24.

Conditions:
Spastic paraplegia. Identifiers: MedGen C0037772, HP:0001258.

Submissions (2):

Dasa
Classification: Uncertain significance. Last evaluated: 2025-10-24. Review status: criteria provided, single submitter. Criteria: DASA Assertion Criteria. Collection method: clinical testing. Allele origin: germline.
Comment: NM_014363.6(SACS):c.8232G>A (p.Met2744Ile) is a missense variant that results in the substitution of methionine with isoleucine. This variant is absent from population databases. The currently available literature and clinical evidence are not sufficient to establish a definitive association between this variant and the reported condition. Therefore, this variant is classified as a variant of uncertain significance.

Labcorp Genetics (formerly Invitae), Labcorp
Classification: Uncertain significance for Spastic paraplegia. Last evaluated: 2022-11-01. Review status: criteria provided, single submitter. Criteria: Invitae Variant Classification Sherloc (09022015). Collection method: clinical testing. Allele origin: germline.
Comment: Advanced modeling of protein sequence and biophysical properties (such as structural, functional, and spatial information, amino acid conservation, physicochemical variation, residue mobility, and thermodynamic stability) performed at Invitae indicates that this missense variant is not expected to disrupt SACS protein function. This sequence change replaces methionine, which is neutral and non-polar, with isoleucine, which is neutral and non-polar, at codon 2744 of the SACS protein (p.Met2744Ile). This variant is not present in population databases (gnomAD no frequency). This variant has not been reported in the literature in individuals affected with SACS-related conditions. In summary, the available evidence is currently insufficient to determine the role of this variant in disease. Therefore, it has been classified as a Variant of Uncertain Significance.

NM_014363.6(SACS):c.8232G>A (p.Met2744Ile)

Gene: SACS (sacsin molecular chaperone; minus strand). Cytogenetic location: 13q12.12.
Variant type: single nucleotide variant.
Coding change: c.8232G>A on transcript NM_014363.6 (MANE Select); coding-DNA position 8232, G replaced by A.
Protein change: p.Met2744Ile; replaces methionine 2744 with isoleucine.
Molecular consequence: missense variant.
Genome position (GRCh38, 1-based): chr13:23,335,644, C>T on the plus strand (G>A on the coding strand, the complement: SACS is on the minus strand). VCF-style: chr13-23335644-C-T. GRCh37 (hg19) VCF-style: chr13-23909783-C-T.
Other names: c.7791G>A, p.Met2597Ile (NM_001278055.2); short protein forms M2597I, M2744I.
Identifiers: ClinVar variation 1972852 (VCV001972852.7), dbSNP rs2542220978, ClinGen allele CA387517089.